The following is an entry in ClinVar:

NM_004393.6(DAG1):c.2200A>C (p.Thr734Pro)

Gene: DAG1 (dystroglycan 1; plus strand). Cytogenetic location: 3p21.31.
Variant type: single nucleotide variant.
Coding change: c.2200A>C on transcript NM_004393.6 (MANE Select); coding-DNA position 2200, A replaced by C.
Protein change: p.Thr734Pro; replaces threonine 734 with proline.
Molecular consequence: missense variant.
Genome position (GRCh38, 1-based): chr3:49,532,711, A>C. VCF-style: chr3-49532711-A-C. GRCh37 (hg19) VCF-style: chr3-49570144-A-C.
Other names: c.2200A>C, p.Thr734Pro (NM_001165928.4, NM_001177634.3, NM_001177635.3 and 9 more transcripts); short protein forms T734P.
Identifiers: ClinVar variation 1462784 (VCV001462784.6), dbSNP rs762713364, ClinGen allele CA2399226.

ClinVar aggregate classification (germline): Uncertain significance (1 of 4 stars; one submission).

Conditions:
Muscular dystrophy-dystroglycanopathy (congenital with brain and eye anomalies), type A9. Also called: WALKER-WARBURG SYNDROME OR MUSCLE-EYE BRAIN DISEASE, DAG1-RELATED; Muscular dystrophy-dystroglycanopathy (congenital with brain and eye anomalies), type a, 9. Identifiers: Orphanet 370997, Orphanet 899, MedGen C4225291, MONDO:0014683, OMIM 616538.
Autosomal recessive limb-girdle muscular dystrophy type 2P. Also called: Limb-Girdle Muscular Dystrophy Type 9C; MUSCULAR DYSTROPHY-DYSTROGLYCANOPATHY, LIMB-GIRDLE, DAG1-RELATED; MUSCULAR DYSTROPHY, LIMB-GIRDLE, TYPE 2P. Identifiers: Orphanet 280333, MedGen C4511963, MONDO:0013440, OMIM 613818.

Allele frequency attached by ClinVar (database versions not stated): gnomAD exomes below 0.00001 and 0.00001; ExAC 0.00002.
gnomAD v4.1: 2 of 1,614,130 alleles (0.00012%); highest among the groups gnomAD compares: South Asian, 0.0011%; no homozygotes.

Submission:

Labcorp Genetics (formerly Invitae), Labcorp
Classification: Uncertain significance for Autosomal recessive limb-girdle muscular dystrophy type 2P; Muscular dystrophy-dystroglycanopathy (congenital with brain and eye anomalies), type A9. Last evaluated: 2023-05-15. Review status: criteria provided, single submitter. Criteria: Invitae Variant Classification Sherloc (09022015). Collection method: clinical testing. Allele origin: germline.
Comment: This sequence change replaces threonine, which is neutral and polar, with proline, which is neutral and non-polar, at codon 734 of the DAG1 protein (p.Thr734Pro). In summary, the available evidence is currently insufficient to determine the role of this variant in disease. Therefore, it has been classified as a Variant of Uncertain Significance. Advanced modeling of protein sequence and biophysical properties (such as structural, functional, and spatial information, amino acid conservation, physicochemical variation, residue mobility, and thermodynamic stability) performed at Invitae indicates that this missense variant is not expected to disrupt DAG1 protein function. ClinVar contains an entry for this variant (Variation ID: 1462784). This variant has not been reported in the literature in individuals affected with DAG1-related conditions. This variant is present in population databases (rs762713364, gnomAD 0.003%).